The following is an entry in ClinVar:

ClinVar aggregate classification (germline): Likely benign. Review status: criteria provided, multiple submitters, no conflicts (2 of 4 stars). 3 submissions from 3 submitters: Likely benign (3). Last evaluated 2025-10-05.

Conditions:
Familial thoracic aortic aneurysm and aortic dissection (TAAD). Also called: Thoracic aortic aneurysms and dissections. Identifiers: Orphanet 91387, MedGen C4707243, MONDO:0019625.
Aortic aneurysm, familial thoracic 4 (AAT4). Also called: AORTIC ANEURYSM/AORTIC DISSECTION AND PATENT DUCTUS ARTERIOSUS. Identifiers: MedGen C1851504, MONDO:0007568, OMIM 132900.

Allele frequency attached by ClinVar (database versions not stated): gnomAD exomes below 0.00001; TOPMed below 0.00001.

Submissions (3):

Labcorp Genetics (formerly Invitae), Labcorp
Classification: Likely benign for Aortic aneurysm, familial thoracic 4. Last evaluated: 2025-10-05. Review status: criteria provided, single submitter. Criteria: Invitae Variant Classification Sherloc (09022015). Collection method: clinical testing. Allele origin: germline.

All of Us Research Program, National Institutes of Health
Classification: Likely benign for Familial thoracic aortic aneurysm and aortic dissection. Last evaluated: 2023-08-15. Review status: criteria provided, single submitter. Criteria: ACMG Guidelines, 2015. Collection method: clinical testing. Allele origin: germline. Inheritance: Autosomal dominant inheritance. Observed: 1 variant allele, 1 heterozygote.
Comment: This study involves interpretation of variants in research participants for the purpose of population health screening. Participant phenotype was not available at the time of variant classification. Additional details can be found in publication PMID: 35346344, PMCID: PMC8962531

Color Diagnostics, LLC DBA Color Health
Classification: Likely benign for Familial thoracic aortic aneurysm and aortic dissection. Last evaluated: 2019-09-04. Review status: criteria provided, single submitter. Criteria: ACMG Guidelines, 2015. Collection method: clinical testing. Allele origin: germline.

NM_002474.3(MYH11):c.4476T>C (p.Leu1492=)

Genes: NDE1 (nudE neurodevelopment protein 1; plus strand), MYH11 (myosin heavy chain 11; minus strand). Cytogenetic location: 16p13.11.
Variant type: single nucleotide variant.
Coding change: c.4476T>C on transcript NM_002474.3 (MANE Select); coding-DNA position 4476, T replaced by C.
Protein change: p.Leu1492=; no amino-acid change (leucine 1492 retained).
Molecular consequence: synonymous variant. On other transcripts: intron variant (2).
Genome position (GRCh38, 1-based): chr16:15,721,524, A>G on the plus strand (T>C on the coding strand, the complement: MYH11 is on the minus strand). VCF-style: chr16-15721524-A-G. GRCh37 (hg19) VCF-style: chr16-15815381-A-G.
Other names: c.4497T>C, p.Leu1499= (NM_001040113.2, NM_001040114.2); c.4476T>C, p.Leu1492= (NM_022844.3); c.948-2667A>G (NM_001143979.2, NM_017668.3).
Identifiers: ClinVar variation 925377 (VCV000925377.5), dbSNP rs1193961175, ClinGen allele CA494087862.